The following is an entry in ClinVar:

ClinVar aggregate classification (germline): Uncertain significance (1 of 4 stars; one submission).

Conditions:
Brachyolmia-amelogenesis imperfecta syndrome. Also called: Tooth agenesis, selective, 6; Dental anomalies and short stature; PLATYSPONDYLY WITH AMELOGENESIS IMPERFECTA. Identifiers: Orphanet 2899, MedGen C1832594, MONDO:0011018, OMIM 601216. Disease mechanism: loss of function.

Submission:

Labcorp Genetics (formerly Invitae), Labcorp
Classification: Uncertain significance for Brachyolmia-amelogenesis imperfecta syndrome. Last evaluated: 2022-08-15. Review status: criteria provided, single submitter. Criteria: Invitae Variant Classification Sherloc (09022015). Collection method: clinical testing. Allele origin: germline.
Comment: ClinVar contains an entry for this variant (Variation ID: 1495822). Experimental studies and prediction algorithms are not available or were not evaluated, and the functional significance of this variant is currently unknown. In summary, the available evidence is currently insufficient to determine the role of this variant in disease. Therefore, it has been classified as a Variant of Uncertain Significance. This variant has not been reported in the literature in individuals affected with LTBP3-related conditions. This variant, c.3343_3348dup, results in the insertion of 2 amino acid(s) of the LTBP3 protein (p.Gly1115_Pro1116dup), but otherwise preserves the integrity of the reading frame. This variant is not present in population databases (gnomAD no frequency).

NM_001130144.3(LTBP3):c.3343_3348dup (p.Gly1115_Pro1116dup)

Genes: LTBP3 (latent transforming growth factor beta binding protein 3; minus strand), LOC130006027 (ATAC-STARR-seq lymphoblastoid silent region 3530; plus strand). Cytogenetic location: 11q13.1.
Variant type: Duplication.
Coding change: c.3343_3348dup on transcript NM_001130144.3 (MANE Select); coding-DNA positions 3343 to 3348, 6 bases duplicated (GGGCCC; older notation c.3343_3348dupGGGCCC).
Protein change: p.Gly1115_Pro1116dup.
Molecular consequence: inframe insertion. On other transcripts: intron variant (2).
Genome position (GRCh38, 1-based): chr11:65,540,050-65,540,055, GGGCCC duplicated on the plus strand (GGGCCC on the coding strand, the reverse complement: LTBP3 is on the minus strand); duplicating any 6 consecutive bases within chr11:65,540,050-65,540,059 gives the same sequence; the c. name uses the placement nearest the transcript's 3' end. VCF-style (leftmost placement, unchanged base first): chr11-65540049-A-AGGGCCC. GRCh37 (hg19) VCF-style: chr11-65307520-A-AGGGCCC.
Other names: c.2894-174_2894-169dup (NM_001164266.1); c.3245-174_3245-169dup (NM_021070.4).
Identifiers: ClinVar variation 1495822 (VCV001495822.6), dbSNP rs2135119802, ClinGen allele CA2573147471.